The following is an entry in ClinVar:

ClinVar aggregate classification (germline): Benign. Review status: criteria provided, multiple submitters, no conflicts (2 of 4 stars). 2 submissions from 2 submitters: Benign (2). Last evaluated 2018-06-14.

Allele frequency attached by ClinVar (database versions not stated): gnomAD 0.17175; TOPMed 0.18878; 1000 Genomes Project 0.19289; 1000 Genomes Project 30x 0.19988.
gnomAD v4.1: 68,143 of 624,634 alleles (11%); highest among the groups gnomAD compares: African/African-American, 44%; 7,458 homozygotes.

Submissions (2):

GeneDx
Classification: Benign. Last evaluated: 2018-06-14. Review status: criteria provided, single submitter. Criteria: GeneDx Variant Classification (06012015). Collection method: clinical testing. Allele origin: germline. Affected: yes.
Comment: This variant is considered likely benign or benign based on one or more of the following criteria: it is a conservative change, it occurs at a poorly conserved position in the protein, it is predicted to be benign by multiple in silico algorithms, and/or has population frequency not consistent with disease.

Breakthrough Genomics
Classification: Benign. Review status: criteria provided, single submitter. Criteria: ACMG Guidelines, 2015. Collection method: not provided. Allele origin: germline. Inheritance: Autosomal recessive inheritance. Affected: yes.

NM_170707.4(LMNA):c.936+234C>T

Gene: LMNA (lamin A/C; plus strand). Cytogenetic location: 1q22.
Variant type: single nucleotide variant.
Coding change: c.936+234C>T on transcript NM_170707.4 (MANE Select); 234 bases into the intron after coding-DNA position 936, C replaced by T.
Molecular consequence: intron variant.
Genome position (GRCh38, 1-based): chr1:156,135,546, C>T. VCF-style: chr1-156135546-C-T. GRCh37 (hg19) VCF-style: chr1-156105337-C-T.
Other names: c.936+234C>T (NM_001282625.2, NM_001282626.2, NM_170708.4 and 1 more transcripts); c.600+234C>T (NM_001257374.3); c.693+234C>T (NM_001282624.2).
Identifiers: ClinVar variation 683061 (VCV000683061.2), dbSNP rs2485664, ClinGen allele CA15078757.